The following is an entry in ClinVar:

NM_005188.4(CBL):c.1793T>C (p.Val598Ala)

Gene: CBL (Cbl proto-oncogene; plus strand). Cytogenetic location: 11q23.3.
Variant type: single nucleotide variant.
Coding change: c.1793T>C on transcript NM_005188.4 (MANE Select); coding-DNA position 1793, T replaced by C.
Protein change: p.Val598Ala; replaces valine 598 with alanine.
Molecular consequence: missense variant.
Genome position (GRCh38, 1-based): chr11:119,285,418, T>C. VCF-style: chr11-119285418-T-C. GRCh37 (hg19) VCF-style: chr11-119156128-T-C.
Other names: short protein forms V598A.
Identifiers: ClinVar variation 3995984 (VCV003995984.1).

ClinVar aggregate classification (germline): Uncertain significance (1 of 4 stars; one submission).

Conditions:
Cardiovascular phenotype. Identifiers: MedGen CN230736.

Submission:

Ambry Genetics
Classification: Uncertain significance for Cardiovascular phenotype. Last evaluated: 2025-03-27. Review status: criteria provided, single submitter. Criteria: Ambry Variant Classification Scheme 2023. Collection method: clinical testing. Allele origin: germline.
Comment: The p.V598A variant (also known as c.1793T>C), located in coding exon 11 of the CBL gene, results from a T to C substitution at nucleotide position 1793. The valine at codon 598 is replaced by alanine, an amino acid with similar properties. This amino acid position is conserved. In addition, this alteration is predicted to be tolerated by in silico analysis. Based on the available evidence, the clinical significance of this variant remains unclear.